The following is an entry in ClinVar:

NM_020795.4(NLGN2):c.1084G>T (p.Asp362Tyr)

Gene: NLGN2 (neuroligin 2; plus strand). Cytogenetic location: 17p13.1.
Variant type: single nucleotide variant.
Coding change: c.1084G>T on transcript NM_020795.4 (MANE Select); coding-DNA position 1084, G replaced by T.
Protein change: p.Asp362Tyr; replaces aspartic acid 362 with tyrosine.
Molecular consequence: missense variant.
Genome position (GRCh38, 1-based): chr17:7,415,557, G>T. VCF-style: chr17-7415557-G-T. GRCh37 (hg19) VCF-style: chr17-7318876-G-T.
Other names: short protein forms D362Y.
Identifiers: ClinVar variation 2582198 (VCV002582198.1), dbSNP rs968167162, ClinGen allele CA397823788.

ClinVar aggregate classification (germline): Uncertain significance (1 of 4 stars; one submission).

Submission:

GeneDx
Classification: Uncertain significance. Last evaluated: 2023-03-31. Review status: criteria provided, single submitter. Criteria: GeneDx Variant Classification Process June 2021. Collection method: clinical testing. Allele origin: germline. Affected: yes.
Comment: Not observed at significant frequency in large population cohorts (gnomAD); In silico analysis supports that this missense variant has a deleterious effect on protein structure/function; Has not been previously published as pathogenic or benign to our knowledge